The following is an entry in ClinVar:

NM_199355.4(ADAMTS18):c.1660G>A (p.Glu554Lys)

Gene: ADAMTS18 (ADAM metallopeptidase with thrombospondin type 1 motif 18; minus strand). Cytogenetic location: 16q23.1.
Variant type: single nucleotide variant.
Coding change: c.1660G>A on transcript NM_199355.4 (MANE Select); coding-DNA position 1660, G replaced by A.
Protein change: p.Glu554Lys; replaces glutamic acid 554 with lysine.
Molecular consequence: missense variant.
Genome position (GRCh38, 1-based): chr16:77,341,754, C>T on the plus strand (G>A on the coding strand, the complement: ADAMTS18 is on the minus strand). VCF-style: chr16-77341754-C-T. GRCh37 (hg19) VCF-style: chr16-77375651-C-T.
Other names: c.1144G>A, p.Glu382Lys (NM_001326358.2); short protein forms E382K, E554K.
Identifiers: ClinVar variation 1474852 (VCV001474852.3), dbSNP rs1239972808, ClinGen allele CA396833169.
Genomic context (GRCh38, chr16:77,341,754, plus strand): 5'-TGCAGTTTACCATACTCAAGCCACAAACGGTCCCTTCTGCTGCGGGCATAAACTTGGTCT[C>T]ACACCTGTGGCCTACTCGGTGGCACCAAAGTGATTTGCAAATATCCTGAAATAAAAAAAA-3'
Protein context (NP_955387.1, residues 544-564): LWCHRVGHRC[Glu554Lys]TKFMPAAEGT

ClinVar aggregate classification (germline): Uncertain significance (1 of 4 stars; one submission).

Allele frequency attached by ClinVar (database versions not stated): gnomAD exomes below 0.00001.
gnomAD v4.1: 2 of 1,613,680 alleles (0.00012%); highest among the groups gnomAD compares: Admixed American, 0.0017%; no homozygotes.

Submission:

Labcorp Genetics (formerly Invitae), Labcorp
Classification: Uncertain significance. Last evaluated: 2021-11-11. Review status: criteria provided, single submitter. Criteria: Invitae Variant Classification Sherloc (09022015). Collection method: clinical testing. Allele origin: germline.
Comment: This sequence change replaces glutamic acid, which is acidic and polar, with lysine, which is basic and polar, at codon 554 of the ADAMTS18 protein (p.Glu554Lys). This variant is present in population databases (no rsID available, gnomAD 0.003%). This variant has not been reported in the literature in individuals affected with ADAMTS18-related conditions. Algorithms developed to predict the effect of missense changes on protein structure and function are either unavailable or do not agree on the potential impact of this missense change (SIFT: "Not Available"; PolyPhen-2: "Possibly Damaging"; Align-GVGD: "Not Available"). In summary, the available evidence is currently insufficient to determine the role of this variant in disease. Therefore, it has been classified as a Variant of Uncertain Significance.